The following is an entry in ClinVar:

ClinVar aggregate classification (germline): Uncertain significance (1 of 4 stars; one submission).

Allele frequency attached by ClinVar (database versions not stated): gnomAD exomes below 0.00001.
gnomAD v4.1: 1 of 1,344,642 alleles (0.000074%); highest among the groups gnomAD compares: Non-Finnish European, 0.000096%; no homozygotes.

Submission:

Labcorp Genetics (formerly Invitae), Labcorp
Classification: Uncertain significance. Last evaluated: 2022-05-21. Review status: criteria provided, single submitter. Criteria: Invitae Variant Classification Sherloc (09022015). Collection method: clinical testing. Allele origin: germline.
Comment: In summary, the available evidence is currently insufficient to determine the role of this variant in disease. Therefore, it has been classified as a Variant of Uncertain Significance. Algorithms developed to predict the effect of missense changes on protein structure and function are either unavailable or do not agree on the potential impact of this missense change (SIFT: "Deleterious"; PolyPhen-2: "Benign"; Align-GVGD: "Class C15"). This variant has not been reported in the literature in individuals affected with DHX37-related conditions. This variant is not present in population databases (gnomAD no frequency). This sequence change replaces serine, which is neutral and polar, with tryptophan, which is neutral and slightly polar, at codon 21 of the DHX37 protein (p.Ser21Trp).

NM_032656.4(DHX37):c.62C>G (p.Ser21Trp)

Genes: DHX37 (DEAH-box helicase 37; minus strand), LOC130009166 (ATAC-STARR-seq lymphoblastoid silent region 5073; plus strand). Cytogenetic location: 12q24.31.
Variant type: single nucleotide variant.
Coding change: c.62C>G on transcript NM_032656.4 (MANE Select); coding-DNA position 62, C replaced by G.
Protein change: p.Ser21Trp; replaces serine 21 with tryptophan.
Molecular consequence: missense variant.
Genome position (GRCh38, 1-based): chr12:124,988,961, G>C on the plus strand (C>G on the coding strand, the complement: DHX37 is on the minus strand). VCF-style: chr12-124988961-G-C. GRCh37 (hg19) VCF-style: chr12-125473507-G-C.
Other names: short protein forms S21W.
Identifiers: ClinVar variation 1997261 (VCV001997261.4), dbSNP rs2547149346, ClinGen allele CA387228829.